The following is an entry in ClinVar:

ClinVar aggregate classification (germline): Uncertain significance. Review status: criteria provided, multiple submitters, no conflicts (2 of 4 stars). 2 submissions from 2 submitters: Uncertain significance (2). Last evaluated 2024-12-10.

Conditions:
Inborn genetic diseases. Identifiers: MedGen C0950123, MeSH D030342.
Mitochondrial hypertrophic cardiomyopathy with lactic acidosis due to MTO1 deficiency. Also called: CARDIOMYOPATHY, INFANTILE HYPERTROPHIC MITOCHONDRIAL, AND LACTIC ACIDOSIS; Combined oxidative phosphorylation deficiency 10. Identifiers: Orphanet 314637, MedGen C4749921, MONDO:0013865, OMIM 614702.

gnomAD v4.1: 8 of 1,614,240 alleles (0.0005%); highest among the groups gnomAD compares: South Asian, 0.0011%; no homozygotes.

Submissions (2):

Ambry Genetics
Classification: Uncertain significance for Inborn genetic diseases. Last evaluated: 2024-12-10. Review status: criteria provided, single submitter. Criteria: Ambry Variant Classification Scheme 2023. Collection method: clinical testing. Allele origin: germline.

Labcorp Genetics (formerly Invitae), Labcorp
Classification: Uncertain significance for Mitochondrial hypertrophic cardiomyopathy with lactic acidosis due to MTO1 deficiency. Last evaluated: 2022-08-31. Review status: criteria provided, single submitter. Criteria: Invitae Variant Classification Sherloc (09022015). Collection method: clinical testing. Allele origin: germline.
Comment: This sequence change replaces arginine, which is basic and polar, with glycine, which is neutral and non-polar, at codon 33 of the MTO1 protein (p.Arg33Gly). This variant is present in population databases (no rsID available, gnomAD 0.003%). This variant has not been reported in the literature in individuals affected with MTO1-related conditions. ClinVar contains an entry for this variant (Variation ID: 1518969). Algorithms developed to predict the effect of missense changes on protein structure and function output the following: SIFT: "Tolerated"; PolyPhen-2: "Benign"; Align-GVGD: "Class C0". The glycine amino acid residue is found in multiple mammalian species, which suggests that this missense change does not adversely affect protein function. In summary, the available evidence is currently insufficient to determine the role of this variant in disease. Therefore, it has been classified as a Variant of Uncertain Significance.

NM_012123.4(MTO1):c.97C>G (p.Arg33Gly)

Gene: MTO1 (mitochondrial tRNA translation optimization 1; plus strand). Cytogenetic location: 6q13.
Variant type: single nucleotide variant.
Coding change: c.97C>G on transcript NM_012123.4 (MANE Select); coding-DNA position 97, C replaced by G.
Protein change: p.Arg33Gly; replaces arginine 33 with glycine.
Molecular consequence: missense variant.
Genome position (GRCh38, 1-based): chr6:73,461,951, C>G. VCF-style: chr6-73461951-C-G. GRCh37 (hg19) VCF-style: chr6-74171674-C-G.
Other names: c.97C>G, p.Arg33Gly (NM_001123226.2, NM_133645.3); c.97C>G (NM_001123226.1); short protein forms R33G.
Identifiers: ClinVar variation 1518969 (VCV001518969.4), dbSNP rs769059204, ClinGen allele CA364711892.
Genomic context (GRCh38, chr6:73,461,951, plus strand): 5'-GTTTCCTTCACCAAGCAGCAATTTCCGTTGGCACGGTTGAGCAGTGACAGCGCGGCGCCC[C>G]GGACTCCGCACTTCGACGTGATAGTCATTGGTGGAGGACATGCCGGGACTGAGGCAGCCA-3'
Protein context (NP_036255.2, residues 23-43): ARLSSDSAAP[Arg33Gly]TPHFDVIVIG